The following is an entry in ClinVar:

NM_058216.3(RAD51C):c.28del (p.Met10fs)

Gene: RAD51C (RAD51 paralog C; plus strand). Cytogenetic location: 17q22.
Variant type: Deletion.
Coding change: c.28del on transcript NM_058216.3 (MANE Select); coding-DNA position 28, one base deleted (A; older notation c.28delA).
Protein change: p.Met10fs; shifts the reading frame from methionine 10.
Molecular consequence: frameshift variant. On other transcripts: non-coding transcript variant (2).
Genome position (GRCh38, 1-based): chr17:58,692,671, A deleted; the last of 3 consecutive A bases (chr17:58,692,669-58,692,671); deleting any one gives the same sequence. VCF-style (leftmost placement, unchanged base first): chr17-58692668-GA-G. GRCh37 (hg19) VCF-style: chr17-56770029-GA-G.
Other names: c.28del, p.Met10fs (NM_002876.4); short protein forms M10fs.
Identifiers: ClinVar variation 817095 (VCV000817095.1), dbSNP rs1598448639, ClinGen allele CA915950639.
Genomic context (GRCh38, chr17:58,692,668, plus strand): 5'-AGTTTGGCTGCTCCGGGGTTAGCAGGTGAGCCTGCGATGCGCGGGAAGACGTTCCGCTTT[GA>G]AATGCAGCGGGATTTGGTGAGTTTCCCGCTGTCTCCAGCGGTGCGGGTGAAGCTGGTGTC-3'

ClinVar aggregate classification (germline): Likely pathogenic (1 of 4 stars; one submission).

Submission:

GeneDx
Classification: Likely pathogenic. Last evaluated: 2018-05-25. Review status: criteria provided, single submitter. Criteria: GeneDx Variant Classification (06012015). Collection method: clinical testing. Allele origin: germline. Affected: yes.
Comment: This deletion of one nucleotide in RAD51C is denoted c.28delA at the cDNA level and p.Met10CysfsX6 (M10CfsX6) at the protein level. The normal sequence, with the base that is deleted in brackets, is TGAA[delA]TGCA. The deletion causes a frameshift which changes a Methionine to a Cysteine at codon 10, and creates a premature stop codon at position 6 of the new reading frame. Although this variant has not, to our knowledge, been reported in the literature as a germline variant, it is predicted to cause loss of normal protein function through either protein truncation or nonsense-mediated mRNA decay. Based on currently available evidence, we consider this deletion to be a likely pathogenic variant.